The following is an entry in ClinVar:

ClinVar aggregate classification (germline): Benign. Review status: criteria provided, multiple submitters, no conflicts (2 of 4 stars). 2 submissions from 2 submitters: Benign (2). Last evaluated 2018-06-18.

Allele frequency attached by ClinVar (database versions not stated): TOPMed 0.08416; gnomAD 0.09091 and 0.09521; 1000 Genomes Project 30x 0.09713; 1000 Genomes Project 0.09924.
gnomAD v4.1: 110,378 of 944,136 alleles (12%); highest among the groups gnomAD compares: South Asian, 26%; 7,426 homozygotes.

Submissions (2):

GeneDx
Classification: Benign. Last evaluated: 2018-06-18. Review status: criteria provided, single submitter. Criteria: GeneDx Variant Classification (06012015). Collection method: clinical testing. Allele origin: germline. Affected: yes.
Comment: This variant is considered likely benign or benign based on one or more of the following criteria: it is a conservative change, it occurs at a poorly conserved position in the protein, it is predicted to be benign by multiple in silico algorithms, and/or has population frequency not consistent with disease.

Breakthrough Genomics
Classification: Benign. Review status: criteria provided, single submitter. Criteria: ACMG Guidelines, 2015. Collection method: not provided. Allele origin: germline. Inheritance: Autosomal recessive inheritance. Affected: yes.

NM_001085411.3(NADK2):c.-107C>T

Genes: NADK2 (NAD kinase 2, mitochondrial; minus strand), LOC129993801 (ATAC-STARR-seq lymphoblastoid silent region 15972; plus strand). Cytogenetic location: 5p13.2.
Variant type: single nucleotide variant.
Coding change: c.-107C>T on transcript NM_001085411.3 (MANE Select); 107 bases upstream of the start codon, C replaced by T.
Molecular consequence: 5 prime UTR variant. On other transcripts: intron variant (2).
Genome position (GRCh38, 1-based): chr5:36,241,905, G>A on the plus strand (C>T on the coding strand, the complement: NADK2 is on the minus strand). VCF-style: chr5-36241905-G-A. GRCh37 (hg19) VCF-style: chr5-36242007-G-A.
Other names: c.-190+191C>T (NM_001287341.2, NM_153013.5).
Identifiers: ClinVar variation 676272 (VCV000676272.2), dbSNP rs74523581, ClinGen allele CA12050328.